The following is an entry in ClinVar:

NM_003900.5(SQSTM1):c.1181_*644del (p.Leu394fs)

Genes: SQSTM1 (sequestosome 1; plus strand), LOC112997583 (Sharpr-MPRA regulatory region 15558; plus strand). Cytogenetic location: 5q35.3.
Variant type: Deletion.
Coding change: c.1181_*644del on transcript NM_003900.5 (MANE Select); coding-DNA position 1181 through 644 bases downstream of the stop codon, 787 bases deleted.
Protein change: p.Leu394fs; shifts the reading frame from leucine 394.
Molecular consequence: frameshift variant.
Genome position (GRCh38, 1-based): chr5:179,836,451-179,837,237, 787 bases deleted. GRCh37 (hg19): chr5:179,263,451-179,264,237.
Other names: c.929_*644del, p.Leu310fs (NM_001142298.2, NM_001142299.2); short protein forms L310fs, L394fs.
Identifiers: ClinVar variation 2951682 (VCV002951682.3), ClinGen allele CA2740094217.

ClinVar aggregate classification (germline): Likely pathogenic (1 of 4 stars; one submission).

Conditions:
Frontotemporal dementia and/or amyotrophic lateral sclerosis 1 (FTDALS1). Also called: Frontotemporal dementia with motor neuron disease 1; C9orf72 Frontotemporal Dementia and/or Amyotrophic Lateral Sclerosis. Identifiers: Orphanet 275872, MedGen C5779877, MONDO:0007105, OMIM 105550.
Paget disease of bone 2, early-onset (PDB2). Also called: Paget disease of bone 2. Identifiers: MedGen C4085251, MONDO:0011183, OMIM 602080.

Submission:

Labcorp Genetics (formerly Invitae), Labcorp
Classification: Likely pathogenic for Paget disease of bone 2, early-onset; Frontotemporal dementia and/or amyotrophic lateral sclerosis 1. Last evaluated: 2025-10-02. Review status: criteria provided, single submitter. Criteria: Invitae Variant Classification Sherloc (09022015). Collection method: clinical testing. Allele origin: germline.
Comment: This sequence change creates a premature translational stop signal (p.Leu394Hisfs*7) in the SQSTM1 gene. While this is not anticipated to result in nonsense mediated decay, it is expected to disrupt the last 47 amino acid(s) of the SQSTM1 protein. This variant is not present in population databases (gnomAD no frequency). This variant has been observed in individual(s) with Paget's disease of the bone (internal data). This variant is located in a region of the SQSTM1 protein where a significant number of SQSTM1 nonsense and frameshift mutations have been reported in association with autosomal dominant SQSTM1-associated Paget disease of bone (PMID: 16813535, 14584883, 12374763, 25664955). In summary, the currently available evidence indicates that the variant is pathogenic, but additional data are needed to prove that conclusively. Therefore, this variant has been classified as Likely Pathogenic.

Literature cited by the submitters: PubMed 16813535; PubMed 14584883; PubMed 12374763; PubMed 25664955.